The following is an entry in ClinVar:

ClinVar aggregate classification (germline): Likely pathogenic. Review status: criteria provided, multiple submitters, no conflicts (2 of 4 stars). 2 submissions from 2 submitters: Likely pathogenic (2). Last evaluated 2021-07-12.

Conditions:
Seizures, benign familial infantile, 3 (BFIS3). Also called: Familial neonatal seizures; CONVULSIONS, BENIGN FAMILIAL INFANTILE, 3. Identifiers: Orphanet 140927, Orphanet 306, MedGen C1843140, MONDO:0011904, OMIM 607745.
Developmental and epileptic encephalopathy, 11 (DEE11). Also called: Early infantile epileptic encephalopathy 11. Identifiers: Orphanet 1934, MedGen C3150987, MONDO:0013388, OMIM 613721.

Submissions (2):

Labcorp Genetics (formerly Invitae), Labcorp
Classification: Likely pathogenic for Seizures, benign familial infantile, 3; Developmental and epileptic encephalopathy, 11. Last evaluated: 2021-07-12. Review status: criteria provided, single submitter. Criteria: Invitae Variant Classification Sherloc (09022015). Collection method: clinical testing. Allele origin: germline.
Comment: This variant has been observed in individual(s) with clinical features of SCN2A-related conditions (Invitae). In at least one individual the variant was observed to be de novo. ClinVar contains an entry for this variant (Variation ID: 839303). Algorithms developed to predict the effect of missense changes on protein structure and function are either unavailable or do not agree on the potential impact of this missense change (SIFT: "Deleterious"; PolyPhen-2: "Benign"; Align-GVGD: "Class C0"). In summary, the currently available evidence indicates that the variant is pathogenic, but additional data are needed to prove that conclusively. Therefore, this variant has been classified as Likely Pathogenic. This variant is not present in population databases (ExAC no frequency). This sequence change replaces phenylalanine with valine at codon 1375 of the SCN2A protein (p.Phe1375Val). The phenylalanine residue is highly conserved and there is a small physicochemical difference between phenylalanine and valine.

GeneDx
Classification: Likely pathogenic. Last evaluated: 2020-08-28. Review status: criteria provided, single submitter. Criteria: GeneDx Variant Classification Process June 2021. Collection method: clinical testing. Allele origin: germline. Affected: yes.
Comment: Not observed in large population cohorts (Lek et al., 2016); Missense variants in this gene are often considered pathogenic (Stenson et al., 2014); In silico analysis supports that this missense variant has a deleterious effect on protein structure/function; Has not been previously published as pathogenic or benign to our knowledge

NM_001040142.2(SCN2A):c.4123T>G (p.Phe1375Val)

Gene: SCN2A (sodium voltage-gated channel alpha subunit 2; plus strand). Cytogenetic location: 2q24.3.
Variant type: single nucleotide variant.
Coding change: c.4123T>G on transcript NM_001040142.2 (MANE Select); coding-DNA position 4123, T replaced by G.
Protein change: p.Phe1375Val; replaces phenylalanine 1375 with valine.
Molecular consequence: missense variant.
Genome position (GRCh38, 1-based): chr2:165,374,835, T>G. VCF-style: chr2-165374835-T-G. GRCh37 (hg19) VCF-style: chr2-166231345-T-G.
Other names: c.4123T>G, p.Phe1375Val (NM_001040143.2, NM_001371246.1, NM_001371247.1 and 1 more transcripts); short protein forms F1375V.
Identifiers: ClinVar variation 839303 (VCV000839303.12), dbSNP rs1308555812, ClinGen allele CA349031004.
Genomic context (GRCh38, chr2:165,374,835, plus strand): 5'-GGAGTGAATCTCTTTGCTGGCAAGTTTTACCATTGTATTAATTACACCACTGGAGAGATG[T>G]TTGATGTAAGCGTGGTCAACAACTACAGTGAGTGCAAAGCTCTCATTGAGAGCAATCAAA-3'
Protein context (NP_001035232.1, residues 1365-1385): HCINYTTGEM[Phe1375Val]DVSVVNNYSE